The following is an entry in ClinVar:

NM_007294.4(BRCA1):c.3782T>A (p.Leu1261Ter)

Genes: BRCA1 (BRCA1 DNA repair associated; minus strand), LOC126862571 (BRD4-independent group 4 enhancer GRCh37_chr17:41243136-41244335; plus strand). Cytogenetic location: 17q21.31.
Variant type: single nucleotide variant.
Coding change: c.3782T>A on transcript NM_007294.4 (MANE Select); coding-DNA position 3782, T replaced by A.
Protein change: p.Leu1261Ter; replaces leucine 1261 with a stop codon.
Molecular consequence: nonsense. On other transcripts: intron variant (135).
Genome position (GRCh38, 1-based): chr17:43,091,749, A>T on the plus strand (T>A on the coding strand, the complement: BRCA1 is on the minus strand). VCF-style: chr17-43091749-A-T. GRCh37 (hg19) VCF-style: chr17-41243766-A-T.
Other names: c.3779T>A, p.Leu1260Ter (NM_001407638.1, NM_001407644.1, NM_001407860.1 and 22 more transcripts); c.668-717T>A (NM_001408431.1, NM_001408424.1, NM_001408421.1); c.3782T>A, p.Leu1261Ter (NM_001407641.1, NM_001407639.1, NM_001407642.1 and 30 more transcripts); c.785-717T>A (NM_001408402.1, NM_001408473.1, NM_001408407.1 and 13 more transcripts); c.578-717T>A (NM_001408479.1, NM_001408481.1, NM_001408480.1 and 9 more transcripts); c.662-717T>A (NM_001408445.1, NM_001408432.1, NM_001408446.1 and 6 more transcripts); c.3656T>A, p.Leu1219Ter (NM_001407688.1, NM_001407689.1, NM_001407690.1 and 11 more transcripts); c.3641T>A, p.Leu1214Ter (NM_001407692.1, NM_001407694.1, NM_001407695.1 and 29 more transcripts); and 41 more; short protein forms L1214*, L1261*, L1093*, L1172*, L1220*, L1258*, L1173*, L1190*.
Identifiers: ClinVar variation 824201 (VCV000824201.13), dbSNP rs397507219, ClinGen allele CA10594406.

ClinVar aggregate classification (germline): Pathogenic. Review status: criteria provided, multiple submitters, no conflicts (2 of 4 stars). 2 submissions from 2 submitters: Pathogenic (2). Last evaluated 2021-03-08.

Conditions:
Hereditary cancer-predisposing syndrome. Also called: Neoplastic Syndromes, Hereditary; Tumor predisposition; Hereditary neoplastic syndrome; Hereditary Cancer Syndrome. Identifiers: Orphanet 140162, MedGen C0027672, MeSH D009386, MONDO:0015356.
Hereditary breast ovarian cancer syndrome. Also called: Hereditary breast and ovarian cancer syndrome; Hereditary breast and ovarian cancer; Hereditary breast and ovarian cancer syndrome (HBOC); Breast and ovarian cancer; Hereditary breast and/or ovarian cancer syndrome; BRCA1- and BRCA2-Associated Hereditary Breast and Ovarian Cancer. Identifiers: Orphanet 145, MedGen C0677776, MeSH D061325, MONDO:0003582. Disease mechanism: loss of function.

Submissions (2):

Labcorp Genetics (formerly Invitae), Labcorp
Classification: Pathogenic for Hereditary breast ovarian cancer syndrome. Last evaluated: 2021-03-08. Review status: criteria provided, single submitter. Criteria: Invitae Variant Classification Sherloc (09022015). Collection method: clinical testing. Allele origin: germline.
Comment: This sequence change creates a premature translational stop signal (p.Leu1261*) in the BRCA1 gene. It is expected to result in an absent or disrupted protein product. Loss-of-function variants in BRCA1 are known to be pathogenic (PMID: 20104584). This variant is not present in population databases (ExAC no frequency). This nonsense change has been observed in individual(s) with breast cancer (PMID: 19656164). ClinVar contains an entry for this variant (Variation ID: 824201). For these reasons, this variant has been classified as Pathogenic.

Ambry Genetics
Classification: Pathogenic for Hereditary cancer-predisposing syndrome. Last evaluated: 2018-07-16. Review status: criteria provided, single submitter. Criteria: Ambry Variant Classification Scheme 2023. Collection method: clinical testing. Allele origin: germline.
Comment: The p.L1261* pathogenic mutation (also known as c.3782T>A), located in coding exon 9 of the BRCA1 gene, results from a T to A substitution at nucleotide position 3782. This changes the amino acid from a leucine to a stop codon within coding exon 9. A similar mutation that causes the same protein truncation, c.3782T>G (p.L1261*), has been detected in 1/206 Korean breast cancer patients (Seong MW et al. Clin. Genet., 2009 Aug;76:152-60). In addition to the clinical data presented in the literature, this alteration is expected to result in loss of function by premature protein truncation or nonsense-mediated mRNA decay. As such, this alteration is interpreted as a disease-causing mutation.

Literature cited by the submitters: PubMed 20104584 (cited by Labcorp Genetics (formerly Invitae), Labcorp); PubMed 19656164 (cited by Labcorp Genetics (formerly Invitae), Labcorp and Ambry Genetics).